The following is an entry in ClinVar:

NM_144666.3(DNHD1):c.8364G>A (p.Lys2788=)

Gene: DNHD1 (dynein heavy chain domain 1; plus strand). Cytogenetic location: 11p15.4.
Variant type: single nucleotide variant.
Coding change: c.8364G>A on transcript NM_144666.3 (MANE Select); coding-DNA position 8364, G replaced by A.
Protein change: p.Lys2788=; no amino-acid change (lysine 2788 retained).
Molecular consequence: synonymous variant.
Genome position (GRCh38, 1-based): chr11:6,557,659, G>A. VCF-style: chr11-6557659-G-A. GRCh37 (hg19) VCF-style: chr11-6578889-G-A.
Identifiers: ClinVar variation 3771288 (VCV003771288.13).

ClinVar aggregate classification (germline): Likely benign (1 of 4 stars; one submission).

gnomAD v4.1: 3 of 1,551,758 alleles (0.00019%); highest among the groups gnomAD compares: Middle Eastern, 0.017%; no homozygotes.

Submission:

CeGaT Center for Human Genetics Tuebingen
Classification: Likely benign. Last evaluated: 2025-02-01. Review status: criteria provided, single submitter. Criteria: CeGaT Center For Human Genetics Tuebingen Variant Classification Criteria Version 2. Collection method: clinical testing. Allele origin: germline. Affected: yes. Observed: 1 variant allele.
Comment: DNHD1: BP4, BP7